The following is an entry in ClinVar:

NM_001148.6(ANK2):c.10295C>A (p.Ala3432Asp)

Gene: ANK2 (ankyrin 2; plus strand). Cytogenetic location: 4q26.
Variant type: single nucleotide variant.
Coding change: c.10295C>A on transcript NM_001148.6 (MANE Select); coding-DNA position 10295, C replaced by A.
Protein change: p.Ala3432Asp; replaces alanine 3432 with aspartic acid.
Molecular consequence: missense variant. On other transcripts: intron variant (68).
Genome position (GRCh38, 1-based): chr4:113,358,913, C>A. VCF-style: chr4-113358913-C-A. GRCh37 (hg19) VCF-style: chr4-114280069-C-A.
Other names: c.10061C>A, p.Ala3354Asp (NM_001386142.1); c.6695C>A, p.Ala2232Asp (NM_001386166.1); c.10436C>A, p.Ala3479Asp (NM_001386174.1); c.10412C>A, p.Ala3471Asp (NM_001386175.1); c.4412-1910C>A (NM_001386186.2, NM_001386148.2); c.4214-1910C>A (NM_001354269.3); c.4292-1910C>A (NM_001386187.2); c.4253-1910C>A (NM_001386147.1); and 35 more; short protein forms A3432D, A2232D, A3354D, A3471D, A3479D.
Identifiers: ClinVar variation 961436 (VCV000961436.8), dbSNP rs147245875, ClinGen allele CA103817920.

ClinVar aggregate classification (germline): Conflicting classifications of pathogenicity. Review status: criteria provided, conflicting classifications (1 of 4 stars). 2 submissions from 2 submitters: Uncertain significance (1); Likely benign (1). Last evaluated 2021-01-26.

Conditions:
Cardiovascular phenotype. Identifiers: MedGen CN230736.
Long QT syndrome (LQTS). Identifiers: MedGen C0023976, MeSH D008133, MONDO:0002442. Disease mechanism: loss of function. Inheritance: Various modes of inheritance.

Allele frequency attached by ClinVar (database versions not stated): gnomAD exomes below 0.00001 and 0.00001; ESP Exome Variant Server 0.00008.
gnomAD v4.1: 7 of 1,613,768 alleles (0.00043%); highest among the groups gnomAD compares: Non-Finnish European, 0.00059%; no homozygotes.

Submissions (2):

Ambry Genetics
Classification: Likely benign for Cardiovascular phenotype. Last evaluated: 2021-01-26. Review status: criteria provided, single submitter. Criteria: Ambry Variant Classification Scheme 2023. Collection method: clinical testing. Allele origin: germline.

Labcorp Genetics (formerly Invitae), Labcorp
Classification: Uncertain significance for Long QT syndrome. Last evaluated: 2020-09-15. Review status: criteria provided, single submitter. Criteria: Invitae Variant Classification Sherloc (09022015). Collection method: clinical testing. Allele origin: germline.
Comment: In summary, the available evidence is currently insufficient to determine the role of this variant in disease. Therefore, it has been classified as a Variant of Uncertain Significance. Algorithms developed to predict the effect of missense changes on protein structure and function output the following: SIFT: "Tolerated"; PolyPhen-2: "Benign"; Align-GVGD: "Class C0". The aspartic acid amino acid residue is found in multiple mammalian species, suggesting that this missense change does not adversely affect protein function. These predictions have not been confirmed by published functional studies and their clinical significance is uncertain. This variant has not been reported in the literature in individuals with ANK2-related conditions. This variant is not present in population databases (ExAC no frequency). This sequence change replaces alanine with aspartic acid at codon 3432 of the ANK2 protein (p.Ala3432Asp). The alanine residue is weakly conserved and there is a moderate physicochemical difference between alanine and aspartic acid.